The following is an entry in ClinVar:

ClinVar aggregate classification (germline): Uncertain significance (1 of 4 stars; one submission).

Conditions:
Glycogen storage disease, type VII (GSD7). Also called: GSD VII; TARUI DISEASE; MUSCLE PHOSPHOFRUCTOKINASE DEFICIENCY; PFKM DEFICIENCY. Identifiers: Orphanet 371, MedGen C0017926, MONDO:0009295, OMIM 232800.

Submission:

Labcorp Genetics (formerly Invitae), Labcorp
Classification: Uncertain significance for Glycogen storage disease, type VII. Last evaluated: 2021-10-22. Review status: criteria provided, single submitter. Criteria: Invitae Variant Classification Sherloc (09022015). Collection method: clinical testing. Allele origin: germline.
Comment: This sequence change replaces glutamic acid with lysine at codon 725 of the PFKM protein (p.Glu725Lys). The glutamic acid residue is moderately conserved and there is a small physicochemical difference between glutamic acid and lysine. This variant is not present in population databases (ExAC no frequency). This variant has not been reported in the literature in individuals affected with PFKM-related conditions. Algorithms developed to predict the effect of missense changes on protein structure and function (SIFT, PolyPhen-2, Align-GVGD) all suggest that this variant is likely to be tolerated. In summary, the available evidence is currently insufficient to determine the role of this variant in disease. Therefore, it has been classified as a Variant of Uncertain Significance.

NM_000289.6(PFKM):c.2173G>A (p.Glu725Lys)

Gene: PFKM (phosphofructokinase, muscle; plus strand). Cytogenetic location: 12q13.11.
Variant type: single nucleotide variant.
Coding change: c.2173G>A on transcript NM_000289.6 (MANE Select); coding-DNA position 2173, G replaced by A.
Protein change: p.Glu725Lys; replaces glutamic acid 725 with lysine.
Molecular consequence: missense variant. On other transcripts: non-coding transcript variant (6).
Genome position (GRCh38, 1-based): chr12:48,145,290, G>A. VCF-style: chr12-48145290-G-A. GRCh37 (hg19) VCF-style: chr12-48539073-G-A.
Other names: c.2386G>A, p.Glu796Lys (NM_001166686.2, NM_001354737.1, NM_001354738.1 and 1 more transcripts); c.2173G>A, p.Glu725Lys (NM_001166687.2, NM_001166688.2, NM_001354742.2 and 2 more transcripts); c.2482G>A, p.Glu828Lys (NM_001354735.1, NM_001354736.1); c.2317G>A, p.Glu773Lys (NM_001354740.1); c.2197G>A, p.Glu733Lys (NM_001354741.2); c.2086G>A, p.Glu696Lys (NM_001354745.2); c.2047G>A, p.Glu683Lys (NM_001354746.2); c.2023G>A, p.Glu675Lys (NM_001354747.2, NM_001354748.2); and 1 more; short protein forms E694K, E773K, E828K, E675K, E696K, E683K, E725K, E733K.
Identifiers: ClinVar variation 1498787 (VCV001498787.3), dbSNP rs1176082291, ClinGen allele CA384556154.